The following is an entry in ClinVar:

ClinVar aggregate classification (germline): Uncertain significance. Review status: criteria provided, multiple submitters, no conflicts (2 of 4 stars). 3 submissions from 3 submitters: Uncertain significance (3). Last evaluated 2025-07-24.

Conditions:
Cardiovascular phenotype. Identifiers: MedGen CN230736.
Catecholaminergic polymorphic ventricular tachycardia 1. Also called: VENTRICULAR TACHYCARDIA, CATECHOLAMINERGIC POLYMORPHIC, 1, WITH OR WITHOUT ATRIAL DYSFUNCTION AND/OR DILATED CARDIOMYOPATHY; RYR2-Related Catecholaminergic Polymorphic Ventricular Tachycardia; VENTRICULAR TACHYCARDIA, STRESS-INDUCED POLYMORPHIC 1. Identifiers: Orphanet 3286, MedGen C1631597, MONDO:0011484, OMIM 604772.
Catecholaminergic polymorphic ventricular tachycardia 5 (CARDAR). Also called: Ventricular tachycardia, catecholaminergic polymorphic, 5, with or without muscle weakness; CARDIAC ARRHYTHMIA SYNDROME, WITH OR WITHOUT SKELETAL MUSCLE WEAKNESS. Identifiers: Orphanet 3286, MedGen C3809536, MONDO:0014191, OMIM 615441.

Allele frequency attached by ClinVar (database versions not stated): gnomAD exomes below 0.00001 and 0.00001; gnomAD 0.00001; TOPMed 0.00002.
gnomAD v4.1: 6 of 1,516,380 alleles (0.0004%); highest among the groups gnomAD compares: Non-Finnish European, 0.00054%; no homozygotes.

Submissions (3):

Ambry Genetics
Classification: Uncertain significance for Cardiovascular phenotype. Last evaluated: 2025-07-24. Review status: criteria provided, single submitter. Criteria: Ambry Variant Classification Scheme 2023. Collection method: clinical testing. Allele origin: germline.
Comment: The p.E652K variant (also known as c.1954G>A), located in coding exon 38 of the TRDN gene, results from a G to A substitution at nucleotide position 1954. The glutamic acid at codon 652 is replaced by lysine, an amino acid with similar properties. This amino acid position is conserved. In addition, this alteration is predicted to be tolerated by in silico analysis. Since supporting evidence is limited at this time, the clinical significance of this alteration remains unclear.

Labcorp Genetics (formerly Invitae), Labcorp
Classification: Uncertain significance for Catecholaminergic polymorphic ventricular tachycardia 1. Last evaluated: 2022-03-11. Review status: criteria provided, single submitter. Criteria: Invitae Variant Classification Sherloc (09022015). Collection method: clinical testing. Allele origin: germline.
Comment: The frequency data for this variant in the population databases is considered unreliable, as metrics indicate poor data quality at this position in the gnomAD database. This sequence change replaces glutamic acid, which is acidic and polar, with lysine, which is basic and polar, at codon 652 of the TRDN protein (p.Glu652Lys). This variant has not been reported in the literature in individuals affected with TRDN-related conditions. In summary, the available evidence is currently insufficient to determine the role of this variant in disease. Therefore, it has been classified as a Variant of Uncertain Significance. Algorithms developed to predict the effect of sequence changes on RNA splicing suggest that this variant may disrupt the consensus splice site. Algorithms developed to predict the effect of missense changes on protein structure and function (SIFT, PolyPhen-2, Align-GVGD) all suggest that this variant is likely to be tolerated. ClinVar contains an entry for this variant (Variation ID: 1056673).

Fulgent Genetics
Classification: Uncertain significance for Catecholaminergic polymorphic ventricular tachycardia 1; Catecholaminergic polymorphic ventricular tachycardia 5. Last evaluated: 2021-08-10. Review status: criteria provided, single submitter. Criteria: ACMG Guidelines, 2015. Collection method: clinical testing. Allele origin: unknown.

NM_006073.4(TRDN):c.1954G>A (p.Glu652Lys)

Gene: TRDN (triadin; minus strand). Cytogenetic location: 6q22.31.
Variant type: single nucleotide variant.
Coding change: c.1954G>A on transcript NM_006073.4 (MANE Select); coding-DNA position 1954, G replaced by A.
Protein change: p.Glu652Lys; replaces glutamic acid 652 with lysine.
Molecular consequence: missense variant.
Genome position (GRCh38, 1-based): chr6:123,252,433, C>T on the plus strand (G>A on the coding strand, the complement: TRDN is on the minus strand). VCF-style: chr6-123252433-C-T. GRCh37 (hg19) VCF-style: chr6-123573578-C-T.
Other names: short protein forms E652K.
Identifiers: ClinVar variation 1056673 (VCV001056673.13), dbSNP rs1194412303, ClinGen allele CA365561898.